The following is an entry in ClinVar:

ClinVar aggregate classification (germline): Uncertain significance. Review status: criteria provided, multiple submitters, no conflicts (2 of 4 stars). 4 submissions from 4 submitters: Uncertain significance (4). Last evaluated 2026-01-25.

Conditions:
Ciliary dyskinesia, primary, 40. Also called: CILIARY DYSKINESIA, PRIMARY, 40, WITH OR WITHOUT SITUS INVERSUS. Identifiers: MedGen C4749028, MONDO:0032664, OMIM 618300.
DNAH9-related disorder. Also called: DNAH9-related condition.
Inborn genetic diseases. Identifiers: MedGen C0950123, MeSH D030342.

Allele frequency attached by ClinVar (database versions not stated): ESP Exome Variant Server 0.00015; 1000 Genomes Project 30x 0.00016; 1000 Genomes Project 0.00020; TOPMed 0.00023; gnomAD 0.00026 and 0.00027; gnomAD exomes 0.00030 and 0.00036; ExAC 0.00040.
gnomAD v4.1: 482 of 1,614,150 alleles (0.03%); highest among the groups gnomAD compares: Non-Finnish European, 0.031%; 1 homozygote.

Submissions (4):

Labcorp Genetics (formerly Invitae), Labcorp
Classification: Uncertain significance. Last evaluated: 2026-01-25. Review status: criteria provided, single submitter. Criteria: Invitae Variant Classification Sherloc (09022015). Collection method: clinical testing. Allele origin: germline.
Comment: This sequence change replaces isoleucine, which is neutral and non-polar, with threonine, which is neutral and polar, at codon 4050 of the DNAH9 protein (p.Ile4050Thr). This variant is present in population databases (rs200168509, gnomAD 0.1%). This variant has not been reported in the literature in individuals affected with DNAH9-related conditions. ClinVar contains an entry for this variant (Variation ID: 1387711). Invitae Evidence Modeling of protein sequence and biophysical properties (such as structural, functional, and spatial information, amino acid conservation, physicochemical variation, residue mobility, and thermodynamic stability) indicates that this missense variant is not expected to disrupt DNAH9 protein function with a negative predictive value of 80%. In summary, the available evidence is currently insufficient to determine the role of this variant in disease. Therefore, it has been classified as a Variant of Uncertain Significance.

PreventionGenetics, part of Exact Sciences
Classification: Uncertain significance for DNAH9-related condition. Last evaluated: 2024-11-23. Review status: criteria provided, single submitter. Criteria: ACMG Guidelines, 2015. Collection method: clinical testing. Allele origin: germline.
Comment: The DNAH9 c.12149T>C variant is predicted to result in the amino acid substitution p.Ile4050Thr. To our knowledge, this variant has not been reported in the literature. This variant is reported in 0.12% of alleles in individuals of European (Finnish) descent in gnomAD. Although we suspect that this variant may be benign, at this time, the clinical significance of this variant is uncertain due to the absence of conclusive functional and genetic evidence.

Ambry Genetics
Classification: Uncertain significance for Inborn genetic diseases. Last evaluated: 2021-09-17. Review status: criteria provided, single submitter. Criteria: Ambry Variant Classification Scheme 2023. Collection method: clinical testing. Allele origin: germline.

Department of Pathology and Laboratory Medicine, Sinai Health System
Classification: Uncertain significance for ciliary dyskinesia, primary, 40. Last evaluated: 2020-07-27. Review status: criteria provided, single submitter. Criteria: ACMG Guidelines, 2015. Collection method: research. Allele origin: germline.

NM_001372.4(DNAH9):c.12149T>C (p.Ile4050Thr)

Gene: DNAH9 (dynein axonemal heavy chain 9; plus strand). Cytogenetic location: 17p12.
Variant type: single nucleotide variant.
Coding change: c.12149T>C on transcript NM_001372.4 (MANE Select); coding-DNA position 12149, T replaced by C.
Protein change: p.Ile4050Thr; replaces isoleucine 4050 with threonine.
Molecular consequence: missense variant.
Genome position (GRCh38, 1-based): chr17:11,932,057, T>C. VCF-style: chr17-11932057-T-C. GRCh37 (hg19) VCF-style: chr17-11835374-T-C.
Other names: c.1085T>C, p.Ile362Thr (NM_004662.2); c.12149T>C (NM_001372.3); short protein forms I4050T, I362T.
Identifiers: ClinVar variation 1387711 (VCV001387711.10), dbSNP rs200168509, ClinGen allele CA8398075.